The following is an entry in ClinVar:

ClinVar aggregate classification (germline): Conflicting classifications of pathogenicity. Review status: criteria provided, conflicting classifications (1 of 4 stars). 2 submissions from 2 submitters: Uncertain significance (1); Likely benign (1). Last evaluated 2024-05-21.

Conditions:
Inborn genetic diseases. Identifiers: MedGen C0950123, MeSH D030342.
Congenital myopathy with internal nuclei and atypical cores. Also called: Myopathy, centronuclear, 4. Identifiers: Orphanet 319160, MedGen C4707232, MONDO:0013890, OMIM 614807.

Allele frequency attached by ClinVar (database versions not stated): gnomAD 0.00001 and 0.00003; TOPMed 0.00001; ExAC 0.00007; ESP Exome Variant Server 0.00008; gnomAD exomes 0.00008.
gnomAD v4.1: 63 of 1,612,590 alleles (0.0039%); highest among the groups gnomAD compares: South Asian, 0.045%; no homozygotes.

Submissions (2):

Labcorp Genetics (formerly Invitae), Labcorp
Classification: Uncertain significance for Congenital myopathy with internal nuclei and atypical cores. Last evaluated: 2024-05-21. Review status: criteria provided, single submitter. Criteria: Invitae Variant Classification Sherloc (09022015). Collection method: clinical testing. Allele origin: germline.
Comment: This sequence change replaces arginine, which is basic and polar, with glutamine, which is neutral and polar, at codon 393 of the CCDC78 protein (p.Arg393Gln). This variant is present in population databases (rs376513788, gnomAD 0.05%), and has an allele count higher than expected for a pathogenic variant. This variant has not been reported in the literature in individuals affected with CCDC78-related conditions. ClinVar contains an entry for this variant (Variation ID: 952202). Advanced modeling of protein sequence and biophysical properties (such as structural, functional, and spatial information, amino acid conservation, physicochemical variation, residue mobility, and thermodynamic stability) performed at Invitae indicates that this missense variant is not expected to disrupt CCDC78 protein function with a negative predictive value of 80%. In summary, the available evidence is currently insufficient to determine the role of this variant in disease. Therefore, it has been classified as a Variant of Uncertain Significance.

Ambry Genetics
Classification: Likely benign for Inborn genetic diseases. Last evaluated: 2024-02-05. Review status: criteria provided, single submitter. Criteria: Ambry Variant Classification Scheme 2023. Collection method: clinical testing. Allele origin: germline.

NM_001378030.1(CCDC78):c.1178G>A (p.Arg393Gln)

Gene: CCDC78 (coiled-coil domain containing 78; minus strand). Cytogenetic location: 16p13.3.
Variant type: single nucleotide variant.
Coding change: c.1178G>A on transcript NM_001378030.1 (MANE Select); coding-DNA position 1178, G replaced by A.
Protein change: p.Arg393Gln; replaces arginine 393 with glutamine.
Molecular consequence: missense variant. On other transcripts: non-coding transcript variant (5).
Genome position (GRCh38, 1-based): chr16:723,117, C>T on the plus strand (G>A on the coding strand, the complement: CCDC78 is on the minus strand). VCF-style: chr16-723117-C-T. GRCh37 (hg19) VCF-style: chr16-773117-C-T.
Other names: c.1178G>A, p.Arg393Gln (NM_001031737.3); c.998G>A, p.Arg333Gln (NM_001378031.1); c.611G>A, p.Arg204Gln (NM_001378033.1); short protein forms R204Q, R333Q, R393Q.
Identifiers: ClinVar variation 952202 (VCV000952202.10), dbSNP rs376513788, ClinGen allele CA7789144.